The following is an entry in ClinVar:

ClinVar aggregate classification (germline): Uncertain significance (1 of 4 stars; one submission).

Conditions:
Cohen syndrome (COH1). Also called: Cutis verticis gyrata, retinitis pigmentosa, and sensorineural deafness; PEPPER SYNDROME. Identifiers: Orphanet 193, MedGen C0265223, MONDO:0008999, OMIM 216550.

Submission:

Labcorp Genetics (formerly Invitae), Labcorp
Classification: Uncertain significance for Cohen syndrome. Last evaluated: 2022-10-25. Review status: criteria provided, single submitter. Criteria: Invitae Variant Classification Sherloc (09022015). Collection method: clinical testing. Allele origin: germline.
Comment: In summary, the available evidence is currently insufficient to determine the role of this variant in disease. Therefore, it has been classified as a Variant of Uncertain Significance. Advanced modeling of protein sequence and biophysical properties (such as structural, functional, and spatial information, amino acid conservation, physicochemical variation, residue mobility, and thermodynamic stability) performed at Invitae indicates that this missense variant is expected to disrupt VPS13B protein function. This variant has not been reported in the literature in individuals affected with VPS13B-related conditions. This variant is not present in population databases (gnomAD no frequency). This sequence change replaces alanine, which is neutral and non-polar, with aspartic acid, which is acidic and polar, at codon 3640 of the VPS13B protein (p.Ala3640Asp).

NM_152564.5(VPS13B):c.10844C>A (p.Ala3615Asp)

Gene: VPS13B (vacuolar protein sorting 13 homolog B; plus strand). Cytogenetic location: 8q22.2.
Variant type: single nucleotide variant.
Coding change: c.10844C>A on transcript NM_152564.5 (MANE Select); coding-DNA position 10844, C replaced by A.
Protein change: p.Ala3615Asp; replaces alanine 3615 with aspartic acid.
Molecular consequence: missense variant.
Genome position (GRCh38, 1-based): chr8:99,854,233, C>A. VCF-style: chr8-99854233-C-A. GRCh37 (hg19) VCF-style: chr8-100866461-C-A.
Other names: c.10919C>A, p.Ala3640Asp (NM_017890.5); short protein forms A3615D, A3640D.
Identifiers: ClinVar variation 1926903 (VCV001926903.5), dbSNP rs1055300973, ClinGen allele CA371786355.
Genomic context (GRCh38, chr8:99,854,233, plus strand): 5'-AAAGAGGACCCATCTTCACCACTGCGAGGCAGCTTGTGCACGCCCTGGCAATGCACTATG[C>A]CGCTGGGGCCCTTTTTAGAGCAGGTAAGAACACAAGCTGAGGGTCTGTGATGAGCTAGAG-3'
Protein context (NP_689777.3, residues 3605-3625): QLVHALAMHY[Ala3615Asp]AGALFRAGWV